The following is an entry in ClinVar:

NM_016111.4(TELO2):c.1476T>G (p.Asp492Glu)

Gene: TELO2 (telomere maintenance 2; plus strand). Cytogenetic location: 16p13.3.
Variant type: single nucleotide variant.
Coding change: c.1476T>G on transcript NM_016111.4 (MANE Select); coding-DNA position 1476, T replaced by G.
Protein change: p.Asp492Glu; replaces aspartic acid 492 with glutamic acid.
Molecular consequence: missense variant.
Genome position (GRCh38, 1-based): chr16:1,502,050, T>G. VCF-style: chr16-1502050-T-G. GRCh37 (hg19) VCF-style: chr16-1552051-T-G.
Other names: c.1476T>G, p.Asp492Glu (NM_001351846.2); short protein forms D492E.
Identifiers: ClinVar variation 1033804 (VCV001033804.1), dbSNP rs2039707751, ClinGen allele CA394214581.
Genomic context (GRCh38, chr16:1,502,050, plus strand): 5'-TTGGGCACTTCCTGTCACAGGCCATGGGCTGCTCATGTCTGCTTTGCTCTCCCACAGCGA[T>G]GATGAGTTTGTCCCCTACGACATGTCGGGGGACAGAGAGCTGAAGAGCAGCAAGGCTCCT-3'
Protein context (NP_057195.2, residues 482-502): LAGSDSDLDS[Asp492Glu]DEFVPYDMSG

ClinVar aggregate classification (germline): Uncertain significance (1 of 4 stars; one submission).

Conditions:
TELO2-related intellectual disability-neurodevelopmental disorder. Also called: You-Hoover-Fong syndrome. Identifiers: Orphanet 488642, MedGen C4310778, MONDO:0014848, OMIM 616954.

Allele frequency attached by ClinVar (database versions not stated): gnomAD exomes below 0.00001; TOPMed below 0.00001.
gnomAD v4.1: 1 of 1,613,284 alleles (0.000062%); highest among the groups gnomAD compares: African/African-American, 0.0013%; no homozygotes.

Submission:

Baylor Genetics
Classification: Uncertain significance for TELO2-related intellectual disability-neurodevelopmental disorder. Last evaluated: 2018-06-29. Review status: criteria provided, single submitter. Criteria: ACMG Guidelines, 2015. Collection method: clinical testing. Allele origin: paternal. Affected: yes.
Comment: This variant was determined to be of uncertain significance according to ACMG Guidelines, 2015 [PMID:25741868].